The following is an entry in ClinVar:

NM_020975.6(RET):c.1305C>T (p.Gly435=)

Gene: RET (ret proto-oncogene; plus strand). Cytogenetic location: 10q11.21.
Variant type: single nucleotide variant.
Coding change: c.1305C>T on transcript NM_020975.6 (MANE Select); coding-DNA position 1305, C replaced by T.
Protein change: p.Gly435=; no amino-acid change (glycine 435 retained).
Molecular consequence: synonymous variant. On other transcripts: intron variant (15).
Genome position (GRCh38, 1-based): chr10:43,111,248, C>T. VCF-style: chr10-43111248-C-T. GRCh37 (hg19) VCF-style: chr10-43606696-C-T.
Other names: c.1305C>T, p.Gly435= (NM_000323.2, NM_001406743.1, NM_001406744.1 and 6 more transcripts); c.543C>T, p.Gly181= (NM_001355216.2); c.1176C>T, p.Gly392= (NM_001406761.1, NM_001406762.1, NM_001406764.1 and 1 more transcripts); c.1017C>T, p.Gly339= (NM_001406766.1, NM_001406767.1, NM_001406770.1); c.909C>T, p.Gly303= (NM_001406769.1, NM_001406772.1); c.867C>T, p.Gly289= (NM_001406771.1, NM_001406773.1); c.780C>T, p.Gly260= (NM_001406774.1); c.579C>T, p.Gly193= (NM_001406775.1, NM_001406776.1, NM_001406777.1 and 1 more transcripts); and 5 more.
Identifiers: ClinVar variation 860955 (VCV000860955.24), dbSNP rs749093977, ClinGen allele CA032994.

ClinVar aggregate classification (germline): Likely benign. Review status: criteria provided, multiple submitters, no conflicts (2 of 4 stars). 3 submissions from 3 submitters: Likely benign (3). Last evaluated 2025-05-16.

Conditions:
Multiple endocrine neoplasia, type 2 (MEN2). Identifiers: Orphanet 653, MedGen C4048306, MONDO:0019003. Disease mechanism: gain of function.
Hereditary cancer-predisposing syndrome. Also called: Hereditary Cancer Syndrome; Neoplastic Syndromes, Hereditary; Tumor predisposition; Hereditary neoplastic syndrome. Identifiers: Orphanet 140162, MedGen C0027672, MeSH D009386, MONDO:0015356.

Allele frequency attached by ClinVar (database versions not stated): gnomAD exomes below 0.00001 and 0.00001; ExAC 0.00001.
gnomAD v4.1: 4 of 1,614,146 alleles (0.00025%); highest among the groups gnomAD compares: South Asian, 0.0011%; no homozygotes.

Submissions (3):

Ambry Genetics
Classification: Likely benign for Hereditary cancer-predisposing syndrome. Last evaluated: 2025-05-16. Review status: criteria provided, single submitter. Criteria: Ambry Variant Classification Scheme 2023. Collection method: clinical testing. Allele origin: germline.

CeGaT Center for Human Genetics Tuebingen
Classification: Likely benign. Last evaluated: 2024-12-01. Review status: criteria provided, single submitter. Criteria: CeGaT Center For Human Genetics Tuebingen Variant Classification Criteria Version 2. Collection method: clinical testing. Allele origin: germline. Affected: yes. Observed: 1 variant allele.
Comment: RET: BP4, BP7

Labcorp Genetics (formerly Invitae), Labcorp
Classification: Likely benign for Multiple endocrine neoplasia, type 2. Last evaluated: 2024-02-17. Review status: criteria provided, single submitter. Criteria: Invitae Variant Classification Sherloc (09022015). Collection method: clinical testing. Allele origin: germline.